The following is an entry in ClinVar:

ClinVar aggregate classification (germline): Uncertain significance (1 of 4 stars; one submission).

Submission:

Ambry Genetics
Classification: Uncertain significance. Last evaluated: 2022-05-28. Review status: criteria provided, single submitter. Criteria: Ambry Variant Classification Scheme 2023. Collection method: clinical testing. Allele origin: germline.
Comment: The p.E1093V variant (also known as c.3278A>T), located in coding exon 4 of the ALPK2 gene, results from an A to T substitution at nucleotide position 3278. The glutamic acid at codon 1093 is replaced by valine, an amino acid with dissimilar properties. This amino acid position is conserved. In addition, this alteration is predicted to be tolerated by in silico analysis. Since supporting evidence is limited at this time, the clinical significance of this alteration remains unclear.

NM_052947.4(ALPK2):c.3278A>T (p.Glu1093Val)

Gene: ALPK2 (alpha kinase 2; minus strand). Cytogenetic location: 18q21.31.
Variant type: single nucleotide variant.
Coding change: c.3278A>T on transcript NM_052947.4 (MANE Select); coding-DNA position 3278, A replaced by T.
Protein change: p.Glu1093Val; replaces glutamic acid 1093 with valine.
Molecular consequence: missense variant.
Genome position (GRCh38, 1-based): chr18:58,536,909, T>A on the plus strand (A>T on the coding strand, the complement: ALPK2 is on the minus strand). VCF-style: chr18-58536909-T-A. GRCh37 (hg19) VCF-style: chr18-56204141-T-A.
Other names: short protein forms E1093V.
Identifiers: ClinVar variation 1729678 (VCV001729678.2), dbSNP rs2518876651, ClinGen allele CA402568726.